The following is an entry in ClinVar:

NM_001035.3(RYR2):c.12667_12669del (p.Lys4223del)

Genes: RYR2 (ryanodine receptor 2; plus strand), LOC126806068 (BRD4-independent group 4 enhancer GRCh37_chr1:237947411-237948610; plus strand). Cytogenetic location: 1q43.
Variant type: Deletion.
Coding change: c.12667_12669del on transcript NM_001035.3 (MANE Select); coding-DNA positions 12667 to 12669, 3 bases deleted (AAG; older notation c.12667_12669delAAG).
Protein change: p.Lys4223del; deletes lysine 4223.
Molecular consequence: inframe deletion.
Genome position (GRCh38, 1-based): chr1:237,784,379-237,784,381, AAG deleted; deleting any 3 consecutive bases within chr1:237,784,377-237,784,381 gives the same sequence; the c. name uses the placement nearest the transcript's 3' end. VCF-style (leftmost placement, unchanged base first): chr1-237784376-GAGA-G. GRCh37 (hg19) VCF-style: chr1-237947676-GAGA-G.
Other names: c.12667_12669del, p.Lys4223del (LRG_402t1); c.12667_12669delAAG (NM_001035.3); c.12667_12669del (NM_001035.2); short protein forms K4223del.
Identifiers: ClinVar variation 201411 (VCV000201411.41), dbSNP rs794728838, ClinGen allele CA007668.
Genomic context (GRCh38, chr1:237,784,376, plus strand): 5'-CTGGCGGCTCAGATCTCGGAGTCGGACTTGAACGAGAGGTCAGCGAATAAGGAAGAAAGC[GAGA>G]AGGAGAGGCCGGAAGAGCAGGGGCCGAGGATGGCTTTCTTCTCCATTCTGACGGTCAGGT-3'

ClinVar aggregate classification (germline): Conflicting classifications of pathogenicity. Review status: criteria provided, conflicting classifications (1 of 4 stars). 13 submissions from 13 submitters: Uncertain significance (11); Likely benign (2). Last evaluated 2026-01-06.

Conditions:
Ventricular arrhythmias due to cardiac ryanodine receptor calcium release deficiency syndrome. Also called: Autosomal dominant cardiac arrhythmia (Kuhn). Identifiers: MedGen C5542154, MONDO:0020745, OMIM 115000.
Arrhythmogenic right ventricular dysplasia 2. Identifiers: MedGen C1832931.
Catecholaminergic polymorphic ventricular tachycardia 1. Also called: RYR2-Related Catecholaminergic Polymorphic Ventricular Tachycardia; VENTRICULAR TACHYCARDIA, CATECHOLAMINERGIC POLYMORPHIC, 1, WITH OR WITHOUT ATRIAL DYSFUNCTION AND/OR DILATED CARDIOMYOPATHY; VENTRICULAR TACHYCARDIA, STRESS-INDUCED POLYMORPHIC 1. Identifiers: Orphanet 3286, MedGen C1631597, MONDO:0011484, OMIM 604772.
Cardiovascular phenotype. Identifiers: MedGen CN230736.
Cardiomyopathy (CMYO). Also called: Cardiomyopathies. Identifiers: Orphanet 167848, MedGen C0878544, MONDO:0004994, HP:0001638. Inheritance: Various modes of inheritance.

Submissions (13):

Labcorp Genetics (formerly Invitae), Labcorp
Classification: Uncertain significance for Catecholaminergic polymorphic ventricular tachycardia 1. Last evaluated: 2026-01-06. Review status: criteria provided, single submitter. Criteria: Invitae Variant Classification Sherloc (09022015). Collection method: clinical testing. Allele origin: germline.
Comment: This variant, c.12667_12669del, results in the deletion of 1 amino acid(s) of the RYR2 protein (p.Lys4223del), but otherwise preserves the integrity of the reading frame. This variant is present in population databases (rs780366391, gnomAD 0.02%). This variant has been observed in individual(s) with clinical features of RYR2 related features (PMID: 29453246, 30975432). ClinVar contains an entry for this variant (Variation ID: 201411). Experimental studies and prediction algorithms are not available or were not evaluated, and the functional significance of this variant is currently unknown. In summary, the available evidence is currently insufficient to determine the role of this variant in disease. Therefore, it has been classified as a Variant of Uncertain Significance.

Molecular Diagnostic Laboratory for Inherited Cardiovascular Disease, Montreal Heart Institute
Classification: Uncertain significance for Cardiovascular phenotype. Last evaluated: 2025-04-09. Review status: criteria provided, single submitter. Criteria: ACMG Guidelines, 2015. Collection method: clinical testing. Allele origin: germline. Affected: yes.
Comment: PM1, PM4

Ambry Genetics
Classification: Uncertain significance for Cardiovascular phenotype. Last evaluated: 2025-04-01. Review status: criteria provided, single submitter. Criteria: Ambry Variant Classification Scheme 2023. Collection method: clinical testing. Allele origin: germline.
Comment: The c.12667_12669delAAG variant (also known as p.K4223del) is located in coding exon 90 of the RYR2 gene. This variant results from an in-frame AAG deletion at nucleotide positions 12667 to 12669. This results in the in-frame deletion of a lysine at codon 4223. This variant was detected in an individual with sudden cardiac arrest and borderline arrhythmogenic right ventricular cardiomyopathy (ARVC) findings (Asatryan B et al. Am. J. Cardiol., 2019 06;123:2031-2038). This variant has also been described in catecholaminergic polymorphic ventricular tachycardia (CPVT) and exome cohorts; however, clinical details were limited (Landstrom AP et al. Circ Arrhythm Electrophysiol, 2017 Apr;10:[Epub ahead of print]; Kapplinger JD et al. Circ Genom Precis Med, 2018 02;11:e001424). This amino acid position is not well conserved in available vertebrate species. In addition, this alteration is predicted to be neutral by in silico analysis (Choi Y et al. PLoS ONE. 2012; 7(10):e46688). Since supporting evidence is limited at this time, the clinical significance of this alteration remains unclear.

CeGaT Center for Human Genetics Tuebingen
Classification: Uncertain significance. Last evaluated: 2025-01-01. Review status: criteria provided, single submitter. Criteria: CeGaT Center For Human Genetics Tuebingen Variant Classification Criteria Version 2. Collection method: clinical testing. Allele origin: germline. Affected: yes. Observed: 2 variant alleles.
Comment: RYR2: PM2:Supporting, PM4:Supporting, PS4:Supporting

Blueprint Genetics
Classification: Likely benign. Last evaluated: 2024-09-06. Review status: criteria provided, single submitter. Criteria: ACMG Guidelines, 2015. Collection method: clinical testing. Allele origin: germline.

ARUP Laboratories, Molecular Genetics and Genomics, ARUP Laboratories
Classification: Uncertain significance. Last evaluated: 2024-08-13. Review status: criteria provided, single submitter. Criteria: ARUP Molecular Germline Variant Investigation Process 2024. Collection method: clinical testing. Allele origin: germline.
Comment: The RYR2 c.12667_12669del; p.Lys4223del variant (rs794728838; ClinVar ID: 201411) is reported in the literature in several individuals with a suspicion of catecholaminergic polymorphic ventricular tachycardia or another arrhythmia disorder, although it was not demonstrated to be disease-causing in these individuals (Asatryan 2019, Kapplinger 2018). This variant is found in the general population with an overall allele frequency of 0.008% (22/279,956 alleles) in the Genome Aggregation Database (v2.1.1). This variant deletes a single lysine residue, leaving the rest of the protein in-frame. However, given the lack of clinical and functional data, the significance of this variant is uncertain at this time. References: Asatryan B et al. Usefulness of Genetic Testing in Sudden Cardiac Arrest Survivors With or Without Previous Clinical Evidence of Heart Disease. Am J Cardiol. 2019 Jun 15;123(12):2031-2038. PMID: 30975432. Kapplinger JD et al. Yield of the RYR2 Genetic Test in Suspected Catecholaminergic Polymorphic Ventricular Tachycardia and Implications for Test Interpretation. Circ Genom Precis Med. 2018 Feb;11(2):e001424. PMID: 29453246.

Color Diagnostics, LLC DBA Color Health
Classification: Uncertain significance for Cardiomyopathy. Last evaluated: 2024-02-05. Review status: criteria provided, single submitter. Criteria: ACMG Guidelines, 2015. Collection method: clinical testing. Allele origin: germline.
Comment: This variant causes a deletion of lysine at codon 4223 of the RYR2 protein. To our knowledge, functional studies have not been reported for this variant. This variant has been reported in an individual affected with borderline arrhythmogenic right ventricular cardiomyopathy (PMID: 30975432) and in an individual suspected of having catecholaminergic polymorphic ventricular tachycardia (PMID: 29453246). This variant has also been identified in 22/279956 chromosomes in the general population by the Genome Aggregation Database (gnomAD). The available evidence is insufficient to determine the role of this variant in disease conclusively. Therefore, this variant is classified as a Variant of Uncertain Significance.

GeneDx
Classification: Uncertain significance. Last evaluated: 2023-12-05. Review status: criteria provided, single submitter. Criteria: GeneDx Variant Classification Process June 2021. Collection method: clinical testing. Allele origin: germline. Affected: yes.
Comment: Reported in a patient with a history of sudden cardiac arrest and borderline ARVC upon evaluation (PMID: 30975432); reported as c.12665_12667delAGA due to alternate nomenclature); In-frame deletion of 1 amino acid in a non-repeat region; Located in one of the three hot-spot regions of the RYR2 gene, where the majority of pathogenic missense variants occur (PMID: 19926015); In silico analysis supports a deleterious effect on protein structure/function; This variant is associated with the following publications: (PMID: 19926015, 30975432, 28404607, 29453246)

Women's Health and Genetics/Laboratory Corporation of America, LabCorp
Classification: Likely benign. Last evaluated: 2023-09-07. Review status: criteria provided, single submitter. Criteria: LabCorp Variant Classification Summary - May 2015. Collection method: clinical testing. Allele origin: germline.
Comment: Variant summary: RYR2 c.12667_12669delAAG (p.Lys4223del) results in an in-frame deletion that is predicted to remove one amino acid from the encoded protein. The variant allele was found at a frequency of 9.7e-05 in 393308 control chromosomes (i.e., 38 heterozygotes), predominantly at a frequency of 0.00014 within the Non-Finnish European subpopulation in the gnomAD database. The observed variant frequency within Non-Finnish European control individuals in the gnomAD database is approximately 2.33 fold of the estimated maximal expected allele frequency for a pathogenic variant in RYR2 causing Arrhythmia phenotype (6e-05), strongly suggesting that the variant is a benign polymorphism. The variant, c.12667_12669delAAG, has been reported in the literature in an individual with suspected-CPVT (Catecholaminergic Polymorphic Ventricular Tachycardia) referred for clinical genetic testing (e.g., Kapplinger_2018) and in an individual who experienced sudden cardiac arrest and had borderline arrhythmogenic right ventricular cardiomyopathy (e.g., Asatryan_2019), however without strong evidence for causality (e.g., lack of co-segregation data) in both instances. These reports therefore do not provide unequivocal conclusions about association of the variant with Arrhythmia. To our knowledge, no experimental evidence demonstrating an impact on protein function has been reported. The following publications have been ascertained in the context of this evaluation (PMID: 29453246, 30975432, 28404607). Seven submitters have reported clinical-significance assessments for this variant to ClinVar after 2014. All submitters classified the variant as uncertain significance. Based on the evidence outlined above, the variant was classified as likely benign.

Molecular Genetics, Royal Melbourne Hospital
Classification: Uncertain significance for Catecholaminergic polymorphic ventricular tachycardia 1. Last evaluated: 2023-09-04. Review status: criteria provided, single submitter. Criteria: ACMG Guidelines, 2015. Collection method: clinical testing. Allele origin: germline. Inheritance: Autosomal dominant inheritance.
Comment: This sequence change is predicted to cause a change in the length of the protein due to an in-frame deletion of one amino acid in a non-repeat region of the RYR2 protein, p.(Lys4223del). The region deleted is moderately conserved (100 vertebrates, UCSC), and is located in the cytoplasmic region. The highest population minor allele frequency in the population database gnomAD v3.1 is 0.012% (5/41,444 alleles) in the African/African American population. This variant has been reported in at least two probands with cardiac phenotypes (PMID: 30975432, 29453246). Based on the classification scheme RMH Modified ACMG/AMP Guidelines v1.6.1, this variant is classified as a VARIANT OF UNCERTAIN SIGNIFICANCE. Following criteria are met: PM4_Supporting.

New York Genome Center
Classification: Uncertain significance for Catecholaminergic polymorphic ventricular tachycardia 1; Ventricular arrhythmias due to cardiac ryanodine receptor calcium release deficiency syndrome. Last evaluated: 2021-09-24. Review status: criteria provided, single submitter. Criteria: NYGC Assertion Criteria 2020. Collection method: clinical testing. Allele origin: germline. Observed: 1 heterozygote.

Revvity Omics, Revvity
Classification: Uncertain significance. Last evaluated: 2020-12-09. Review status: criteria provided, single submitter. Criteria: ACMG Guidelines, 2015. Collection method: clinical testing. Allele origin: germline.

Center for Genomics, Ann and Robert H. Lurie Children's Hospital of Chicago
Classification: Uncertain significance for Catecholaminergic polymorphic ventricular tachycardia 1; Ventricular arrhythmias due to cardiac ryanodine receptor calcium release deficiency syndrome. Review status: criteria provided, single submitter. Criteria: ACMG Guidelines, 2015. Collection method: clinical testing. Allele origin: germline.
Comment: RYR2 NM_001035.2 exon 90 p.Lys4223del (c.12667_12669del): This variant has not been reported in the literature and is present in 0.02% (6/24184) of African alleles in the Genome Aggregation Database. This variant is present in ClinVar (Variation ID:201411). Evolutionary conservation and computational predictive tools for this variant are limited or unavailable. This variant represents an in-frame deletion of one amino acid at position 4223 and is not predicted to alter the reading frame. However, the effect of this variant on the protein is unclear. Of note, this variant is located in one of the three "hot spot" domains of the RYR2 gene, where the majority of disease-associated variants have been observed to cluster (Medieros-Domingo 2009 PMID:19926015). In summary, data on this variant is insufficient for disease classification. Therefore, the clinical significance of this variant is uncertain.

Literature cited by the submitters: PubMed 29453246 (cited by 5 submitters); PubMed 30975432 (cited by 5 submitters); PubMed 28404607 (cited by Ambry Genetics and Women's Health and Genetics/Laboratory Corporation of America, LabCorp).